The following is an entry in ClinVar:

NM_145239.3(PRRT2):c.751T>C (p.Leu251=)

Genes: MVP-DT (MVP divergent transcript; minus strand), PRRT2 (proline rich transmembrane protein 2; plus strand). Cytogenetic location: 16p11.2.
Variant type: single nucleotide variant.
Coding change: c.751T>C on transcript NM_145239.3 (MANE Select); coding-DNA position 751, T replaced by C.
Protein change: p.Leu251=; no amino-acid change (leucine 251 retained).
Molecular consequence: synonymous variant.
Genome position (GRCh38, 1-based): chr16:29,813,805, T>C. VCF-style: chr16-29813805-T-C. GRCh37 (hg19) VCF-style: chr16-29825126-T-C.
Other names: p.Leu251=; c.751T>C, p.Leu251= (NM_001256442.2, NM_001256443.2).
Identifiers: ClinVar variation 167544 (VCV000167544.18), dbSNP rs11150573, ClinGen allele CA180354.

ClinVar aggregate classification (germline): Benign. Review status: criteria provided, multiple submitters, no conflicts (2 of 4 stars). 9 submissions from 7 submitters: Benign (9). Last evaluated 2026-02-04.

Conditions:
Episodic kinesigenic dyskinesia (EKD). Also called: Paroxysmal kinesigenic dyskinesia. Identifiers: Orphanet 98809, MedGen C1868682, MONDO:0044202.
Episodic kinesigenic dyskinesia 1 (EKD1). Also called: DYSTONIA, FAMILIAL PAROXYSMAL; PRRT2-Related Paroxysmal Kinesigenic Dyskinesia (PKD); PAROXYSMAL KINESIGENIC CHOREOATHETOSIS; Dystonia 10; PxMD-PRRT2. Identifiers: Orphanet 98809, MedGen C4552000, MONDO:0100352, OMIM 128200, MONDO:0007494.
Infantile convulsions and choreoathetosis (ICCA). Also called: PAROXYSMAL KINESIGENIC DYSKINESIA WITH INFANTILE CONVULSIONS; PRRT2-Related Paroxysmal Kinesigenic Dyskinesia with Infantile Convulsions (PKD/IC). Identifiers: Orphanet 31709, MedGen C1865926, MONDO:0011178, OMIM 602066.
Seizures, benign familial infantile, 2 (BFIS2). Also called: CONVULSIONS, BENIGN FAMILIAL INFANTILE, 2. Identifiers: Orphanet 306, MedGen C1853995, MONDO:0011593, OMIM 605751.

Allele frequency attached by ClinVar (database versions not stated): ESP Exome Variant Server 0.99076; 1000 Genomes Project 30x 0.99110; 1000 Genomes Project 0.99181; TOPMed 0.99243; gnomAD 0.99277 and 0.99316; ExAC 0.99796; gnomAD exomes 0.99836 and 0.99935.
gnomAD v4.1: 1,610,383 of 1,612,408 alleles (100%); highest among the groups gnomAD compares: Middle Eastern, 100%; 804,209 homozygotes.

Submissions (9):

Labcorp Genetics (formerly Invitae), Labcorp
Classification: Benign for Episodic kinesigenic dyskinesia. Last evaluated: 2026-02-04. Review status: criteria provided, single submitter. Criteria: Invitae Variant Classification Sherloc (09022015). Collection method: clinical testing. Allele origin: germline.

Blueprint Genetics
Classification: Benign. Last evaluated: 2024-11-27. Review status: criteria provided, single submitter. Criteria: ACMG Guidelines, 2015. Collection method: clinical testing. Allele origin: germline.

Unidad de Genómica Garrahan, Hospital de Pediatría Garrahan
Classification: Benign. Last evaluated: 2024-07-15. Review status: criteria provided, single submitter. Criteria: ACMG Guidelines, 2015. Collection method: clinical testing. Allele origin: germline. Affected: no. Observed: 93 variant alleles.
Comment: This variant is classified as Benign based on local population frequency. This variant was detected in 100% of patients studied in a panel designed for Epileptic and Developmental Encephalopathy and Progressive Myoclonus Epilepsy. Number of patients: 93. Only high quality variants are reported.

Mayo Clinic Laboratories, Mayo Clinic
Classification: Benign. Last evaluated: 2022-03-24. Review status: criteria provided, single submitter. Criteria: ACMG Guidelines, 2015. Collection method: clinical testing. Allele origin: germline. Observed: 1,858 variant alleles.

Genome-Nilou Lab
Classification: Benign for Infantile convulsions and choreoathetosis. Last evaluated: 2021-10-25. Review status: criteria provided, single submitter. Criteria: ACMG Guidelines, 2015. Collection method: clinical testing. Allele origin: germline. Affected: no.

Genome-Nilou Lab
Classification: Benign for Episodic kinesigenic dyskinesia 1. Last evaluated: 2021-10-25. Review status: criteria provided, single submitter. Criteria: ACMG Guidelines, 2015. Collection method: clinical testing. Allele origin: germline. Affected: no.

Genome-Nilou Lab
Classification: Benign for Seizures, benign familial infantile, 2. Last evaluated: 2021-10-25. Review status: criteria provided, single submitter. Criteria: ACMG Guidelines, 2015. Collection method: clinical testing. Allele origin: germline. Affected: no.

Eurofins Ntd Llc (ga)
Classification: Benign. Last evaluated: 2017-08-17. Review status: criteria provided, single submitter. Criteria: EGL Classification Definitions 2015. Collection method: clinical testing. Allele origin: germline. Observed: 23 variant alleles, 23 homozygotes.

Breakthrough Genomics
Classification: Benign. Review status: criteria provided, single submitter. Criteria: ACMG Guidelines, 2015. Collection method: not provided. Allele origin: germline. Inheritance: Autosomal dominant inheritance. Affected: yes.